The following is an entry in ClinVar:

NM_000038.6(APC):c.881C>G (p.Ser294Cys)

Gene: APC (APC regulator of Wnt signaling pathway; plus strand). Cytogenetic location: 5q22.2.
Variant type: single nucleotide variant.
Coding change: c.881C>G on transcript NM_000038.6 (MANE Select); coding-DNA position 881, C replaced by G.
Protein change: p.Ser294Cys; replaces serine 294 with cysteine.
Molecular consequence: missense variant. On other transcripts: non-coding transcript variant (2).
Genome position (GRCh38, 1-based): chr5:112,815,541, C>G. VCF-style: chr5-112815541-C-G. GRCh37 (hg19) VCF-style: chr5-112151238-C-G.
Other names: c.881C>G, p.Ser294Cys (NM_001127510.3, NM_001354895.2, NM_001354896.2 and 12 more transcripts); c.827C>G, p.Ser276Cys (NM_001127511.3); c.911C>G, p.Ser304Cys (NM_001354897.2, NM_001354902.2, NM_001407446.1); c.806C>G, p.Ser269Cys (NM_001354898.2, NM_001354904.2, NM_001407451.1); c.797C>G, p.Ser266Cys (NM_001354899.2, NM_001407452.1, NM_001407467.1 and 1 more transcripts); c.704C>G, p.Ser235Cys (NM_001354900.2, NM_001354901.2, NM_001354905.2 and 1 more transcripts); c.32C>G, p.Ser11Cys (NM_001354906.2, NM_001407470.1, NM_001407471.1 and 1 more transcripts); short protein forms S235C, S266C, S294C, S11C, S269C, S276C, S304C.
Identifiers: ClinVar variation 2452729 (VCV002452729.3), dbSNP rs2149763204, ClinGen allele CA16023246.
Genomic context (GRCh38, chr5:112,815,541, plus strand): 5'-TGCTTAATTTTTAGGGTTCAACTACACGAATGGACCATGAAACAGCCAGTGTTTTGAGTT[C>G]TAGTAGCACACACTCTGCACCTCGAAGGCTGACAAGTCATCTGGGAACCAAGGTAACAGA-3'
Protein context (NP_000029.2, residues 284-304): MDHETASVLS[Ser294Cys]SSTHSAPRRL

ClinVar aggregate classification (germline): Uncertain significance (1 of 4 stars; one submission).

Conditions:
Hereditary cancer-predisposing syndrome. Also called: Neoplastic Syndromes, Hereditary; Tumor predisposition; Hereditary neoplastic syndrome; Hereditary Cancer Syndrome. Identifiers: Orphanet 140162, MedGen C0027672, MeSH D009386, MONDO:0015356.

Submission:

Ambry Genetics
Classification: Uncertain significance for Hereditary cancer-predisposing syndrome. Last evaluated: 2025-12-10. Review status: criteria provided, single submitter. Criteria: Ambry Variant Classification Scheme 2023. Collection method: clinical testing. Allele origin: germline.
Comment: The p.S294C variant (also known as c.881C>G), located in coding exon 8 of the APC gene, results from a C to G substitution at nucleotide position 881. The serine at codon 294 is replaced by cysteine, an amino acid with dissimilar properties. This amino acid position is conserved. In addition, in silico predictors for this gene do not accurately predict pathogenicity. Missense variants in APC are not a common cause of disease (Spier I et al. Genet Med. 2024 Feb;26(2):100992). Based on the available evidence, the clinical significance of this variant remains unclear.